The following is an entry in ClinVar:

NM_004655.4(AXIN2):c.2339T>G (p.Met780Arg)

Gene: AXIN2 (axin 2; minus strand). Cytogenetic location: 17q24.1.
Variant type: single nucleotide variant.
Coding change: c.2339T>G on transcript NM_004655.4 (MANE Select); coding-DNA position 2339, T replaced by G.
Protein change: p.Met780Arg; replaces methionine 780 with arginine.
Molecular consequence: missense variant.
Genome position (GRCh38, 1-based): chr17:65,533,978, A>C on the plus strand (T>G on the coding strand, the complement: AXIN2 is on the minus strand). VCF-style: chr17-65533978-A-C. GRCh37 (hg19) VCF-style: chr17-63530096-A-C.
Other names: c.2144T>G, p.Met715Arg (NM_001363813.1); short protein forms M715R, M780R.
Identifiers: ClinVar variation 4824624 (VCV004824624.1).

ClinVar aggregate classification (germline): Uncertain significance (1 of 4 stars; one submission).

Conditions:
Hereditary cancer-predisposing syndrome. Also called: Neoplastic Syndromes, Hereditary; Hereditary neoplastic syndrome; Tumor predisposition; Hereditary Cancer Syndrome. Identifiers: Orphanet 140162, MedGen C0027672, MeSH D009386, MONDO:0015356.

Submission:

Ambry Genetics
Classification: Uncertain significance for Hereditary cancer-predisposing syndrome. Last evaluated: 2026-02-18. Review status: criteria provided, single submitter. Criteria: Ambry Variant Classification Scheme 2023. Collection method: clinical testing. Allele origin: germline.
Comment: The p.M780R variant (also known as c.2339T>G), located in coding exon 9 of the AXIN2 gene, results from a T to G substitution at nucleotide position 2339. The methionine at codon 780 is replaced by arginine, an amino acid with similar properties. This amino acid position is well conserved in available vertebrate species. In addition, the in silico prediction for this alteration is inconclusive. Based on the available evidence, the clinical significance of this variant remains unclear.